The following is an entry in ClinVar:

NM_052947.4(ALPK2):c.1993A>T (p.Ile665Phe)

Gene: ALPK2 (alpha kinase 2; minus strand). Cytogenetic location: 18q21.31.
Variant type: single nucleotide variant.
Coding change: c.1993A>T on transcript NM_052947.4 (MANE Select); coding-DNA position 1993, A replaced by T.
Protein change: p.Ile665Phe; replaces isoleucine 665 with phenylalanine.
Molecular consequence: missense variant.
Genome position (GRCh38, 1-based): chr18:58,538,194, T>A on the plus strand (A>T on the coding strand, the complement: ALPK2 is on the minus strand). VCF-style: chr18-58538194-T-A. GRCh37 (hg19) VCF-style: chr18-56205426-T-A.
Other names: short protein forms I665F.
Identifiers: ClinVar variation 3228603 (VCV003228603.1), dbSNP rs2051667398, ClinGen allele CA402571942.

ClinVar aggregate classification (germline): Uncertain significance (1 of 4 stars; one submission).

Submission:

Ambry Genetics
Classification: Uncertain significance. Last evaluated: 2024-01-27. Review status: criteria provided, single submitter. Criteria: Ambry Variant Classification Scheme 2023. Collection method: clinical testing. Allele origin: germline.
Comment: The p.I665F variant (also known as c.1993A>T), located in coding exon 4 of the ALPK2 gene, results from an A to T substitution at nucleotide position 1993. The isoleucine at codon 665 is replaced by phenylalanine, an amino acid with highly similar properties. This amino acid position is conserved. In addition, this alteration is predicted to be tolerated by in silico analysis. Based on the available evidence, the clinical significance of this alteration remains unclear.